The following is an entry in ClinVar:

ClinVar aggregate classification (germline): Uncertain significance (1 of 4 stars; one submission).

Conditions:
Hereditary cancer-predisposing syndrome. Also called: Neoplastic Syndromes, Hereditary; Hereditary Cancer Syndrome; Tumor predisposition; Hereditary neoplastic syndrome. Identifiers: Orphanet 140162, MedGen C0027672, MeSH D009386, MONDO:0015356.

Submission:

Ambry Genetics
Classification: Uncertain significance for Hereditary cancer-predisposing syndrome. Last evaluated: 2024-12-25. Review status: criteria provided, single submitter. Criteria: Ambry Variant Classification Scheme 2023. Collection method: clinical testing. Allele origin: germline.
Comment: The p.H8P variant (also known as c.23A>C), located in coding exon 2 of the SDHC gene, results from an A to C substitution at nucleotide position 23. The histidine at codon 8 is replaced by proline, an amino acid with similar properties. This amino acid position is conserved. In addition, the in silico prediction for this alteration is inconclusive. Based on the available evidence, the clinical significance of this variant remains unclear.

NM_003001.5(SDHC):c.23A>C (p.His8Pro)

Gene: SDHC (succinate dehydrogenase complex subunit C; plus strand). Cytogenetic location: 1q23.3.
Variant type: single nucleotide variant.
Coding change: c.23A>C on transcript NM_003001.5 (MANE Select); coding-DNA position 23, A replaced by C.
Protein change: p.His8Pro; replaces histidine 8 with proline.
Molecular consequence: missense variant. On other transcripts: 5 prime UTR variant (2), non-coding transcript variant (1), intron variant (4).
Genome position (GRCh38, 1-based): chr1:161,323,616, A>C. VCF-style: chr1-161323616-A-C. GRCh37 (hg19) VCF-style: chr1-161293406-A-C.
Other names: c.23A>C, p.His8Pro (NM_001035511.3, NM_001035512.3, NM_001278172.3 and 2 more transcripts); c.-89A>C (NM_001407119.1); c.-207A>C (NM_001407120.1); c.21-4780A>C (NM_001407116.1, NM_001407121.1, NM_001407117.1); c.20+9191A>C (NM_001035513.3); short protein forms H8P.
Identifiers: ClinVar variation 3793597 (VCV003793597.1).